The following is an entry in ClinVar:

NM_001142864.4(PIEZO1):c.5295C>G (p.Asn1765Lys)

Gene: PIEZO1 (piezo type mechanosensitive ion channel component 1 (Er blood group); minus strand). Cytogenetic location: 16q24.3.
Variant type: single nucleotide variant.
Coding change: c.5295C>G on transcript NM_001142864.4 (MANE Select); coding-DNA position 5295, C replaced by G.
Protein change: p.Asn1765Lys; replaces asparagine 1765 with lysine.
Molecular consequence: missense variant.
Genome position (GRCh38, 1-based): chr16:88,721,646, G>C on the plus strand (C>G on the coding strand, the complement: PIEZO1 is on the minus strand). VCF-style: chr16-88721646-G-C. GRCh37 (hg19) VCF-style: chr16-88788054-G-C.
Other names: c.5295C>G (NM_001142864.2, NM_001142864.3); short protein forms N1765K.
Identifiers: ClinVar variation 1049442 (VCV001049442.4), dbSNP rs191843423, ClinGen allele CA8231913.

ClinVar aggregate classification (germline): Uncertain significance. Review status: criteria provided, multiple submitters, no conflicts (2 of 4 stars). 3 submissions from 3 submitters: Uncertain significance (2). 1 of the submissions does not count toward it. Last evaluated 2024-12-18.

Conditions:
PIEZO1-related disorder. Also called: PIEZO1-related condition; PIEZO1-Related Disorders.
Inborn genetic diseases. Identifiers: MedGen C0950123, MeSH D030342.

Allele frequency attached by ClinVar (database versions not stated): gnomAD 0.00001 and 0.00004; TOPMed 0.00003; gnomAD exomes 0.00005; ExAC 0.00010; 1000 Genomes Project 30x 0.00016.
gnomAD v4.1: 36 of 1,550,158 alleles (0.0023%); highest among the groups gnomAD compares: Middle Eastern, 0.017%; no homozygotes.

Submissions (3):

PreventionGenetics, part of Exact Sciences
Classification: Uncertain significance for PIEZO1-related condition. Last evaluated: 2024-12-18. Review status: criteria provided, single submitter. Criteria: ACMG Guidelines, 2015. Collection method: clinical testing. Allele origin: germline.
Comment: The PIEZO1 c.5295C>G variant is predicted to result in the amino acid substitution p.Asn1765Lys. To our knowledge, this variant has not been reported in the literature. This variant is reported in 0.0084% of alleles in individuals of European (Non-Finnish) descent in gnomAD. At this time, the clinical significance of this variant is uncertain due to the absence of conclusive functional and genetic evidence.

Ambry Genetics
Classification: Uncertain significance for Inborn genetic diseases. Last evaluated: 2023-04-06. Review status: criteria provided, single submitter. Criteria: Ambry Variant Classification Scheme 2023. Collection method: clinical testing. Allele origin: germline.

Department of Pathology and Laboratory Medicine, Sinai Health System
Classification: Uncertain significance. Review status: no assertion criteria provided. Collection method: clinical testing. Allele origin: unknown. Affected: yes. Study: The Canadian Open Genetics Repository (COGR). Not counted in ClinVar's aggregate classification.
Comment: The PIEZO1 p.Asn1765Lys variant was not identified in the literature nor was it identified in ClinVar, Cosmic, or LOVD 3.0. The variant was identified in dbSNP (ID: rs191843423). The variant was identified in control databases in 7 of 154610 chromosomes at a frequency of 0.000045 (Genome Aggregation Database Feb 27, 2017). The variant was observed in the following populations: European (non-Finnish) in 5 of 59486 chromosomes (freq: 0.000084), European (Finnish) in 1 of 16168 chromosomes (freq: 0.000062), South Asian in 1 of 22762 chromosomes (freq: 0.000044), while the variant was not observed in the African, Latino, Ashkenazi Jewish, East Asian, and Other populations. The p.Asn1765 residue is not conserved in mammals and four out of five computational analyses (PolyPhen-2, SIFT, AlignGVGD, BLOSUM) do not suggest a high likelihood of impact to the protein; however, this information is not predictive enough to rule out pathogenicity. The variant occurs outside of the splicing consensus sequence and in silico or computational prediction software programs (SpliceSiteFinder, MaxEntScan, NNSPLICE, GeneSplicer) do not predict a difference in splicing. In summary, based on the above information the clinical significance of this variant cannot be determined with certainty at this time. This variant is classified as a variant of uncertain significance.